The following is an entry in ClinVar:

ClinVar aggregate classification (germline): Likely pathogenic (1 of 4 stars; one submission).

Conditions:
Odonto-onycho-dermal dysplasia. Identifiers: Orphanet 2721, MedGen C0796093, MONDO:0009773, OMIM 257980.
Tooth agenesis, selective, 4 (STHAG4). Also called: LATERAL INCISORS, ABSENCE OF; LATERAL INCISORS, PEGGED OR MISSING; SUCCEDANEOUS TEETH, AGENESIS OF; TOOTH AGENESIS, SELECTIVE, 4, WITH OR WITHOUT ECTODERMAL DYSPLASIA. Identifiers: Orphanet 99798, MedGen C1835492, MONDO:0007881, OMIM 150400. Disease mechanism: loss of function.

Allele frequency attached by ClinVar (database versions not stated): gnomAD 0.00001.

Submission:

Labcorp Genetics (formerly Invitae), Labcorp
Classification: Likely pathogenic for Tooth agenesis, selective, 4; Odonto-onycho-dermal dysplasia. Last evaluated: 2022-07-11. Review status: criteria provided, single submitter. Criteria: Invitae Variant Classification Sherloc (09022015). Collection method: clinical testing. Allele origin: germline.
Comment: This sequence change replaces proline, which is neutral and non-polar, with leucine, which is neutral and non-polar, at codon 343 of the WNT10A protein (p.Pro343Leu). In summary, the currently available evidence indicates that the variant is pathogenic, but additional data are needed to prove that conclusively. Therefore, this variant has been classified as Likely Pathogenic. Algorithms developed to predict the effect of missense changes on protein structure and function (SIFT, PolyPhen-2, Align-GVGD) all suggest that this variant is likely to be disruptive. ClinVar contains an entry for this variant (Variation ID: 1413070). This missense change has been observed in individual(s) with WNT10A-related conditions (Invitae). In at least one individual the data is consistent with being in trans (on the opposite chromosome) from a pathogenic variant. This variant is not present in population databases (gnomAD no frequency).

NM_025216.3(WNT10A):c.1028C>T (p.Pro343Leu)

Gene: WNT10A (Wnt family member 10A; plus strand). Cytogenetic location: 2q35.
Variant type: single nucleotide variant.
Coding change: c.1028C>T on transcript NM_025216.3 (MANE Select); coding-DNA position 1028, C replaced by T.
Protein change: p.Pro343Leu; replaces proline 343 with leucine.
Molecular consequence: missense variant.
Genome position (GRCh38, 1-based): chr2:218,893,045, C>T. VCF-style: chr2-218893045-C-T. GRCh37 (hg19) VCF-style: chr2-219757767-C-T.
Other names: short protein forms P343L.
Identifiers: ClinVar variation 1413070 (VCV001413070.6), dbSNP rs1944675271, ClinGen allele CA350590780.